The following is an entry in ClinVar:

NM_024753.5(TTC21B):c.2599C>A (p.Arg867Ser)

Gene: TTC21B (tetratricopeptide repeat domain 21B; minus strand). Cytogenetic location: 2q24.3.
Variant type: single nucleotide variant.
Coding change: c.2599C>A on transcript NM_024753.5 (MANE Select); coding-DNA position 2599, C replaced by A.
Protein change: p.Arg867Ser; replaces arginine 867 with serine.
Molecular consequence: missense variant.
Genome position (GRCh38, 1-based): chr2:165,901,880, G>T on the plus strand (C>A on the coding strand, the complement: TTC21B is on the minus strand). VCF-style: chr2-165901880-G-T. GRCh37 (hg19) VCF-style: chr2-166758390-G-T.
Other names: short protein forms R867S.
Identifiers: ClinVar variation 2044102 (VCV002044102.5), dbSNP rs746700857, ClinGen allele CA349053044.

ClinVar aggregate classification (germline): Uncertain significance. Review status: criteria provided, multiple submitters, no conflicts (2 of 4 stars). 3 submissions from 3 submitters: Uncertain significance (3). Last evaluated 2024-08-30.

Conditions:
Jeune thoracic dystrophy. Also called: Jeune syndrome; Infantile thoracic dystrophy; Thoracic pelvic phalangeal dystrophy; Jeune's syndrome; Chondroectodermal dysplasia-like syndrome; Short-rib thoracic dysplasia. Identifiers: Orphanet 474, MedGen C0265275, MONDO:0018770.
Nephronophthisis. Also called: Juvenile Nephronophthisis. Identifiers: Orphanet 655, MedGen C0687120, MONDO:0019005, HP:0000090.
Nephronophthisis 12 (NPHP12). Identifiers: Orphanet 655, MedGen C3151186, MONDO:0013442, OMIM 613820.
Asphyxiating thoracic dystrophy 4 (SRTD4). Also called: SHORT-RIB THORACIC DYSPLASIA 4 WITH OR WITHOUT POLYDACTYLY; SHORT-RIB THORACIC DYSPLASIA 4. Identifiers: Orphanet 474, MedGen C3151185, MONDO:0013441, OMIM 613819.

Submissions (3):

Blueprint Genetics
Classification: Uncertain significance. Last evaluated: 2024-08-30. Review status: criteria provided, single submitter. Criteria: ACMG Guidelines, 2015. Collection method: clinical testing. Allele origin: germline.

Fulgent Genetics
Classification: Uncertain significance for Asphyxiating thoracic dystrophy 4; Nephronophthisis 12. Last evaluated: 2024-04-26. Review status: criteria provided, single submitter. Criteria: ACMG Guidelines, 2015. Collection method: clinical testing. Allele origin: germline.

Labcorp Genetics (formerly Invitae), Labcorp
Classification: Uncertain significance for Jeune thoracic dystrophy; Nephronophthisis. Last evaluated: 2022-06-23. Review status: criteria provided, single submitter. Criteria: Invitae Variant Classification Sherloc (09022015). Collection method: clinical testing. Allele origin: germline.
Comment: In summary, the available evidence is currently insufficient to determine the role of this variant in disease. Therefore, it has been classified as a Variant of Uncertain Significance. Algorithms developed to predict the effect of missense changes on protein structure and function (SIFT, PolyPhen-2, Align-GVGD) all suggest that this variant is likely to be disruptive. This variant has not been reported in the literature in individuals affected with TTC21B-related conditions. This variant is not present in population databases (gnomAD no frequency). This sequence change replaces arginine, which is basic and polar, with serine, which is neutral and polar, at codon 867 of the TTC21B protein (p.Arg867Ser).